The following is an entry in ClinVar:

ClinVar aggregate classification (germline): Uncertain significance (1 of 4 stars; one submission).

Conditions:
Leigh syndrome (NULS). Also called: Leigh's necrotizing encephalopathy; Leigh's disease; Leigh's syndrome; LEIGH SYNDROME, NUCLEAR; Leigh Syndrome (mtDNA deletion); Leigh Disease. Identifiers: Orphanet 506, MedGen C2931891, MONDO:0009723, OMIM 256000.

Submission:

Wong Mito Lab, Molecular and Human Genetics, Baylor College of Medicine
Classification: Uncertain significance for Leigh syndrome. Last evaluated: 2019-10-17. Review status: criteria provided, single submitter. Criteria: Modified ACMG Guidelines (Unpublished). Collection method: clinical testing. Allele origin: germline.
Comment: The NC_012920.1:m.15011A>G (YP_003024038.1:p.Met89Val) variant in MTCYB gene is interpretated to be a Uncertain Significance variant based on the modified ACMG guidelines (unpublished). This variant meets the following evidence codes: PP4

NC_012920.1(MT-CYB):m.15011A>G

Gene: MT-CYB (mitochondrially encoded cytochrome b; plus strand).
Variant type: single nucleotide variant.
Genome position: chrM-15011-A-G.
Identifiers: ClinVar variation 693809 (VCV000693809.1), dbSNP rs1603225021, ClinGen allele CA913172701.